The following is an entry in ClinVar:

NM_020433.5(JPH2):c.1715G>T (p.Arg572Leu)

Gene: JPH2 (junctophilin 2; minus strand). Cytogenetic location: 20q13.12.
Variant type: single nucleotide variant.
Coding change: c.1715G>T on transcript NM_020433.5 (MANE Select); coding-DNA position 1715, G replaced by T.
Protein change: p.Arg572Leu; replaces arginine 572 with leucine.
Molecular consequence: missense variant.
Genome position (GRCh38, 1-based): chr20:44,115,960, C>A on the plus strand (G>T on the coding strand, the complement: JPH2 is on the minus strand). VCF-style: chr20-44115960-C-A. GRCh37 (hg19) VCF-style: chr20-42744600-C-A.
Other names: short protein forms R572L.
Identifiers: ClinVar variation 4040913 (VCV004040913.1).
Genomic context (GRCh38, chr20:44,115,960, plus strand): 5'-GACCCGGAGACCTCGGGCTCGGGCTGGTCCTCAAAGGGTGGGGGCTCGGGCGGCGTGGTG[C>A]GCACAGCATAGCTGTGGTAGCCCTGGTAAAGCGCCACCTCCGGCTCCCGCGACGGCGCAG-3'
Protein context (NP_065166.2, residues 562-582): LYQGYHSYAV[Arg572Leu]TTPPEPPPFE

ClinVar aggregate classification (germline): Uncertain significance (1 of 4 stars; one submission).

Conditions:
Cardiovascular phenotype. Identifiers: MedGen CN230736.

gnomAD v4.1: 2 of 1,572,606 alleles (0.00013%); highest among the groups gnomAD compares: Non-Finnish European, 0.00017%; no homozygotes.

Submission:

Ambry Genetics
Classification: Uncertain significance for Cardiovascular phenotype. Last evaluated: 2025-06-01. Review status: criteria provided, single submitter. Criteria: Ambry Variant Classification Scheme 2023. Collection method: clinical testing. Allele origin: germline.
Comment: The p.R572L variant (also known as c.1715G>T), located in coding exon 4 of the JPH2 gene, results from a G to T substitution at nucleotide position 1715. The arginine at codon 572 is replaced by leucine, an amino acid with dissimilar properties. This amino acid position is conserved. In addition, this alteration is predicted to be tolerated by in silico analysis. Based on the available evidence, the clinical significance of this variant remains unclear.